The following is an entry in ClinVar:

NM_000492.4(CFTR):c.1114C>T (p.Gln372Ter)

Gene: CFTR (CF transmembrane conductance regulator; plus strand). Cytogenetic location: 7q31.2.
Variant type: single nucleotide variant.
Coding change: c.1114C>T on transcript NM_000492.4 (MANE Select); coding-DNA position 1114, C replaced by T.
Protein change: p.Gln372Ter; replaces glutamine 372 with a stop codon.
Molecular consequence: nonsense.
Genome position (GRCh38, 1-based): chr7:117,540,344, C>T. VCF-style: chr7-117540344-C-T. GRCh37 (hg19) VCF-style: chr7-117180398-C-T.
Other names: short protein forms Q372*.
Identifiers: ClinVar variation 3339105 (VCV003339105.3).

ClinVar aggregate classification (germline): Pathogenic/Likely pathogenic. Review status: criteria provided, multiple submitters, no conflicts (2 of 4 stars). 2 submissions from 2 submitters: Pathogenic (1); Likely pathogenic (1). Last evaluated 2026-02-09.

Conditions:
Cystic fibrosis (CF). Also called: MUCOVISCIDOSIS. Identifiers: Orphanet 586, MedGen C0010674, MONDO:0009061, OMIM 219700. Disease mechanism: loss of function.
CFTR-related disorder (CFTR-RD). Also called: CFTR-related disorders; CFTR-related condition. Identifiers: MedGen C5924204, MONDO:7770004.

gnomAD v4.1: 1 of 1,612,782 alleles (0.000062%); highest among the groups gnomAD compares: Admixed American, 0.0017%; no homozygotes.

Submissions (2):

Women's Health and Genetics/Laboratory Corporation of America, LabCorp
Classification: Pathogenic for Cystic fibrosis. Last evaluated: 2026-02-09. Review status: criteria provided, single submitter. Criteria: LabCorp Variant Classification Summary - May 2015. Collection method: clinical testing. Allele origin: germline.
Comment: Variant summary: CFTR c.1114C>T (p.Gln372X) results in a premature termination codon, predicted to cause a truncation of the encoded protein or absence of the protein due to nonsense mediated decay, which are commonly known mechanisms for disease. Several computational tools predict a significant impact on normal splicing: One predicts the variant abolishes a 5' splicing donor site. Two predict the variant weakens a 5' donor site. Two predict the variant no significant impact on splicing. However, these predictions have yet to be confirmed by functional studies. The variant allele was found at a frequency of 4e-06 in 250602 control chromosomes. c.1114C>T has been observed in individual(s) affected with clinical features of Cystic Fibrosis (example, Krenkova_2013). The following publications have been ascertained in the context of this evaluation (PMID: 23276700, 40522671, 34688701, 37332357, 39529847). ClinVar contains an entry for this variant (Variation ID: 3339105). Based on the evidence outlined above, the variant was classified as pathogenic.

Natera, Inc.
Classification: Likely pathogenic for CFTR-related disorders. Last evaluated: 2025-08-28. Review status: criteria provided, single submitter. Criteria: Natera Variant Classification Schema (03/2026). Collection method: clinical testing. Allele origin: germline.
Comment: The c.1114C>T variant in CFTR is a nonsense variant predicted to introduce a stop codon at amino acid 372. This variant is expected to result in nonsense mediated decay, truncation, or a dysfunctional protein product. This variant is rare in the general population with a frequency below the threshold expected for the associated phenotype(s). Given the available evidence, this variant is classified as Likely Pathogenic.

Literature cited by the submitters: PubMed 23276700 (cited by Women's Health and Genetics/Laboratory Corporation of America, LabCorp); PubMed 39529847 (cited by Women's Health and Genetics/Laboratory Corporation of America, LabCorp); PubMed 40522671 (cited by Women's Health and Genetics/Laboratory Corporation of America, LabCorp); PubMed 34688701 (cited by Women's Health and Genetics/Laboratory Corporation of America, LabCorp); PubMed 37332357 (cited by Women's Health and Genetics/Laboratory Corporation of America, LabCorp).